The following is an entry in ClinVar:

NM_001111.5(ADAR):c.2489C>T (p.Pro830Leu)

Gene: ADAR (adenosine deaminase RNA specific; minus strand). Cytogenetic location: 1q21.3.
Variant type: single nucleotide variant.
Coding change: c.2489C>T on transcript NM_001111.5 (MANE Select); coding-DNA position 2489, C replaced by T.
Protein change: p.Pro830Leu; replaces proline 830 with leucine.
Molecular consequence: missense variant. On other transcripts: intron variant (3).
Genome position (GRCh38, 1-based): chr1:154,590,191, G>A on the plus strand (C>T on the coding strand, the complement: ADAR is on the minus strand). VCF-style: chr1-154590191-G-A. GRCh37 (hg19) VCF-style: chr1-154562667-G-A.
Other names: c.1604C>T, p.Pro535Leu (NM_001025107.3, NM_001193495.2, NM_001365046.1 and 2 more transcripts); c.2516C>T, p.Pro839Leu (NM_001365045.1); c.1533+71C>T (NM_001365049.1); c.2361+71C>T (NM_015841.4); c.2418+71C>T (NM_015840.4); short protein forms P535L, P830L, P839L.
Identifiers: ClinVar variation 1522124 (VCV001522124.8), dbSNP rs1232214809, ClinGen allele CA342637144.

ClinVar aggregate classification (germline): Uncertain significance (1 of 4 stars; one submission).

Conditions:
Aicardi-Goutieres syndrome 6 (AGS6). Identifiers: Orphanet 51, MedGen C3539013, MONDO:0014007, OMIM 615010.
Symmetrical dyschromatosis of extremities (DSH). Also called: DYSCHROMATOSIS SYMMETRICA HEREDITARIA 1; RETICULATE ACROPIGMENTATION OF DOHI; SYMMETRIC DYSCHROMATOSIS OF THE EXTREMITIES; Dyschromatosis symmetrica hereditaria. Identifiers: Orphanet 41, MedGen C0406775, MONDO:0007483, OMIM 127400.

Submission:

Labcorp Genetics (formerly Invitae), Labcorp
Classification: Uncertain significance for Aicardi-Goutieres syndrome 6; Symmetrical dyschromatosis of extremities. Last evaluated: 2022-02-08. Review status: criteria provided, single submitter. Criteria: Invitae Variant Classification Sherloc (09022015). Collection method: clinical testing. Allele origin: germline.
Comment: Algorithms developed to predict the effect of missense changes on protein structure and function are either unavailable or do not agree on the potential impact of this missense change (SIFT: "Deleterious"; PolyPhen-2: "Benign"; Align-GVGD: "Class C0"). In summary, the available evidence is currently insufficient to determine the role of this variant in disease. Therefore, it has been classified as a Variant of Uncertain Significance. This variant has not been reported in the literature in individuals affected with ADAR-related conditions. This sequence change replaces proline, which is neutral and non-polar, with leucine, which is neutral and non-polar, at codon 830 of the ADAR protein (p.Pro830Leu). This variant is not present in population databases (gnomAD no frequency).